The following is an entry in ClinVar:

NM_006767.4(LZTR1):c.1209C>A (p.Phe403Leu)

Gene: LZTR1 (leucine zipper like post translational regulator 1; plus strand). Cytogenetic location: 22q11.21.
Variant type: single nucleotide variant.
Coding change: c.1209C>A on transcript NM_006767.4 (MANE Select); coding-DNA position 1209, C replaced by A.
Protein change: p.Phe403Leu; replaces phenylalanine 403 with leucine.
Molecular consequence: missense variant.
Genome position (GRCh38, 1-based): chr22:20,992,853, C>A. VCF-style: chr22-20992853-C-A. GRCh37 (hg19) VCF-style: chr22-21347142-C-A.
Other names: short protein forms F403L.
Identifiers: ClinVar variation 4745576 (VCV004745576.1).

ClinVar aggregate classification (germline): Uncertain significance (1 of 4 stars; one submission).

Submission:

Labcorp Genetics (formerly Invitae), Labcorp
Classification: Uncertain significance. Last evaluated: 2025-11-25. Review status: criteria provided, single submitter. Criteria: Invitae Variant Classification Sherloc (09022015). Collection method: clinical testing. Allele origin: germline.
Comment: This sequence change replaces phenylalanine, which is neutral and non-polar, with leucine, which is neutral and non-polar, at codon 403 of the LZTR1 protein (p.Phe403Leu). This variant is not present in population databases (gnomAD no frequency). This variant has not been reported in the literature in individuals affected with LZTR1-related conditions. Invitae Evidence Modeling of protein sequence and biophysical properties (such as structural, functional, and spatial information, amino acid conservation, physicochemical variation, residue mobility, and thermodynamic stability) indicates that this missense variant is not expected to disrupt LZTR1 protein function with a negative predictive value of 80%. In summary, the available evidence is currently insufficient to determine the role of this variant in disease. Therefore, it has been classified as a Variant of Uncertain Significance.